The following is an entry in ClinVar:

NM_001845.6(COL4A1):c.1423T>C (p.Tyr475His)

Gene: COL4A1 (collagen type IV alpha 1 chain; minus strand). Cytogenetic location: 13q34.
Variant type: single nucleotide variant.
Coding change: c.1423T>C on transcript NM_001845.6 (MANE Select); coding-DNA position 1423, T replaced by C.
Protein change: p.Tyr475His; replaces tyrosine 475 with histidine.
Molecular consequence: missense variant.
Genome position (GRCh38, 1-based): chr13:110,192,872, A>G on the plus strand (T>C on the coding strand, the complement: COL4A1 is on the minus strand). VCF-style: chr13-110192872-A-G. GRCh37 (hg19) VCF-style: chr13-110845219-A-G.
Other names: c.1423T>C, p.Tyr475His (NM_001303110.2); short protein forms Y475H.
Identifiers: ClinVar variation 4802378 (VCV004802378.1).

ClinVar aggregate classification (germline): Uncertain significance (1 of 4 stars; one submission).

Submission:

Labcorp Genetics (formerly Invitae), Labcorp
Classification: Uncertain significance. Last evaluated: 2025-12-12. Review status: criteria provided, single submitter. Criteria: Invitae Variant Classification Sherloc (09022015). Collection method: clinical testing. Allele origin: germline.
Comment: This sequence change replaces tyrosine, which is neutral and polar, with histidine, which is basic and polar, at codon 475 of the COL4A1 protein (p.Tyr475His). This variant is not present in population databases (gnomAD no frequency). This variant has not been reported in the literature in individuals affected with COL4A1-related conditions. Invitae Evidence Modeling of protein sequence and biophysical properties (such as structural, functional, and spatial information, amino acid conservation, physicochemical variation, residue mobility, and thermodynamic stability) indicates that this missense variant is not expected to disrupt COL4A1 protein function with a negative predictive value of 95%. In summary, the available evidence is currently insufficient to determine the role of this variant in disease. Therefore, it has been classified as a Variant of Uncertain Significance.